The following is an entry in ClinVar:

ClinVar aggregate classification (germline): Pathogenic. Review status: criteria provided, multiple submitters, no conflicts (2 of 4 stars). 2 submissions from 2 submitters: Pathogenic (2). Last evaluated 2024-10-19.

Conditions:
Complement component C1s deficiency. Also called: C1s deficiency; Complement 1s deficiency. Identifiers: MedGen C3151078, MONDO:0013419, OMIM 613783.

Submissions (2):

Labcorp Genetics (formerly Invitae), Labcorp
Classification: Pathogenic. Last evaluated: 2024-10-19. Review status: criteria provided, single submitter. Criteria: Invitae Variant Classification Sherloc (09022015). Collection method: clinical testing. Allele origin: germline.
Comment: This sequence change creates a premature translational stop signal (p.Ser115Profs*18) in the C1S gene. It is expected to result in an absent or disrupted protein product. Loss-of-function variants in C1S are known to be pathogenic (PMID: 18062908). This variant is not present in population databases (gnomAD no frequency). This variant has not been reported in the literature in individuals affected with C1S-related conditions. For these reasons, this variant has been classified as Pathogenic.

Women's Health and Genetics/Laboratory Corporation of America, LabCorp
Classification: Pathogenic for Complement component C1s deficiency. Last evaluated: 2024-05-02. Review status: criteria provided, single submitter. Criteria: LabCorp Variant Classification Summary - May 2015. Collection method: clinical testing. Allele origin: germline.
Comment: Variant summary: C1S c.343delT (p.Ser115ProfsX18) results in a premature termination codon, predicted to cause a truncation of the encoded protein or absence of the protein due to nonsense mediated decay, which are commonly known mechanisms for disease. The variant was absent in 251428 control chromosomes. To our knowledge, no occurrence of c.343delT in individuals affected with Complement Component C1s Deficiency and no experimental evidence demonstrating its impact on protein function have been reported. No submitters have cited clinical-significance assessments for this variant to ClinVar. Based on the evidence outlined above, the variant was classified as pathogenic.

Literature cited by the submitters: PubMed 18062908 (cited by Labcorp Genetics (formerly Invitae), Labcorp).

NM_001734.5(C1S):c.343del (p.Ser115fs)

Gene: C1S (complement C1s; plus strand). Cytogenetic location: 12p13.31.
Variant type: Deletion.
Coding change: c.343del on transcript NM_001734.5 (MANE Select); coding-DNA position 343, one base deleted (T; older notation c.343delT).
Protein change: p.Ser115fs; shifts the reading frame from serine 115.
Molecular consequence: frameshift variant. On other transcripts: 5 prime UTR variant (1).
Genome position (GRCh38, 1-based): chr12:7,063,019, T deleted; the last of 4 consecutive T bases (chr12:7,063,016-7,063,019); deleting any one gives the same sequence. VCF-style (leftmost placement, unchanged base first): chr12-7063015-CT-C. GRCh37 (hg19) VCF-style: chr12-7170319-CT-C.
Other names: c.343delT (NM_001734.5); c.-159del (NM_001346850.2); c.343del, p.Ser115fs (NM_201442.4); short protein forms S115fs.
Identifiers: ClinVar variation 3336211 (VCV003336211.3).
Genomic context (GRCh38, chr12:7,063,015, plus strand): 5'-TCCAATTGTGGAAGAGTTCCAAGTCCCATACAACAAACTCCAGGTGATCTTTAAGTCAGA[CT>C]TTTCCAATGAAGAGCGTTTTACGGGGTTTGCTGCATACTATGTTGCCACAGGTAAGGCTC-3'